The following is an entry in ClinVar:

NM_004531.5(MOCS2):c.4T>G (p.Ser2Ala)

Gene: MOCS2 (molybdenum cofactor synthesis 2; minus strand). Cytogenetic location: 5q11.2.
Variant type: single nucleotide variant.
Coding change: c.4T>G on transcript NM_004531.5 (MANE Select); coding-DNA position 4, T replaced by G.
Protein change: p.Ser2Ala; replaces serine 2 with alanine.
Molecular consequence: missense variant.
Genome position (GRCh38, 1-based): chr5:53,107,171, A>C on the plus strand (T>G on the coding strand, the complement: MOCS2 is on the minus strand). VCF-style: chr5-53107171-A-C. GRCh37 (hg19) VCF-style: chr5-52403001-A-C.
Other names: c.191T>G, p.Val64Gly (NM_176806.4); c.4T>G, p.Ser2Ala (NM_183418.1); short protein forms S2A, V64G.
Identifiers: ClinVar variation 2030776 (VCV002030776.1), dbSNP rs2233211, ClinGen allele CA118892110.

ClinVar aggregate classification (germline): Uncertain significance (1 of 4 stars; one submission).

Submission:

Labcorp Genetics (formerly Invitae), Labcorp
Classification: Uncertain significance. Last evaluated: 2022-09-28. Review status: criteria provided, single submitter. Criteria: Invitae Variant Classification Sherloc (09022015). Collection method: clinical testing. Allele origin: germline.
Comment: The MOCS2 gene encodes two different proteins, MOCS2A and MOCS2B, which are translated from alternative transcripts that have different open reading frames. This sequence change replaces valine, which is neutral and non-polar, with glycine, which is neutral and non-polar, at codon 64 of the MOCS2A protein (p.Val64Gly). This sequence change replaces serine, which is neutral and polar, with alanine, which is neutral and non-polar, at codon 2 of the MOCS2B protein (p.Ser2Ala). This variant is not present in population databases (gnomAD no frequency). This variant has not been reported in the literature in individuals affected with MOCS2A-related conditions. Algorithms developed to predict the effect of missense changes on protein structure and function are either unavailable or do not agree on the potential impact of p.Val64Gly in MOCS2A (SIFT: "Deleterious"; PolyPhen-2: "Benign"; Align-GVGD: "Class C65") or on the effect of p.Ser2Ala in MOCS2B (SIFT: "Tolerated"; PolyPhen-2: "Not Available"; Align-GVGD: "Class C0"). In summary, the available evidence is currently insufficient to determine the role of this variant in disease. Therefore, it has been classified as a Variant of Uncertain Significance.